The following is an entry in ClinVar:

NM_181882.3(PRX):c.2859A>G (p.Arg953=)

Gene: PRX (periaxin; minus strand). Cytogenetic location: 19q13.2.
Variant type: single nucleotide variant.
Coding change: c.2859A>G on transcript NM_181882.3 (MANE Select); coding-DNA position 2859, A replaced by G.
Protein change: p.Arg953=; no amino-acid change (arginine 953 retained).
Molecular consequence: synonymous variant. On other transcripts: 3 prime UTR variant (1).
Genome position (GRCh38, 1-based): chr19:40,395,493, T>C on the plus strand (A>G on the coding strand, the complement: PRX is on the minus strand). VCF-style: chr19-40395493-T-C. GRCh37 (hg19) VCF-style: chr19-40901400-T-C.
Other names: c.3144A>G, p.Arg1048= (NM_001411127.1); c.*3064A>G (NM_020956.2).
Identifiers: ClinVar variation 2649878 (VCV002649878.24), dbSNP rs369688519, ClinGen allele CA308417726.

ClinVar aggregate classification (germline): Likely benign (1 of 4 stars; one submission).

Allele frequency attached by ClinVar (database versions not stated): gnomAD 0.00001; gnomAD exomes below 0.00001; TOPMed below 0.00001; ESP Exome Variant Server 0.00008.
gnomAD v4.1: 2 of 1,613,634 alleles (0.00012%); highest among the groups gnomAD compares: Non-Finnish European, 0.00017%; no homozygotes.

Submission:

CeGaT Center for Human Genetics Tuebingen
Classification: Likely benign. Last evaluated: 2022-09-01. Review status: criteria provided, single submitter. Criteria: CeGaT Center For Human Genetics Tuebingen Variant Classification Criteria Version 2. Collection method: clinical testing. Allele origin: germline. Affected: yes. Observed: 1 variant allele.
Comment: PRX: BP4, BP7